The following is an entry in ClinVar:

ClinVar aggregate classification (germline): Pathogenic/Likely pathogenic. Review status: criteria provided, multiple submitters, no conflicts (2 of 4 stars). 3 submissions from 3 submitters: Pathogenic (2); Likely pathogenic (1). Last evaluated 2025-09-28.

Conditions:
Acyl-CoA dehydrogenase 9 deficiency. Also called: Acyl-CoA dehydrogenase family, member 9, deficiency of; MITOCHONDRIAL COMPLEX I DEFICIENCY, NUCLEAR TYPE 20. Identifiers: Orphanet 99901, MedGen C4747517, MONDO:0012624, OMIM 611126.

Allele frequency attached by ClinVar (database versions not stated): TOPMed below 0.00001; gnomAD exomes 0.00001; ExAC 0.00003.

Submissions (3):

Labcorp Genetics (formerly Invitae), Labcorp
Classification: Pathogenic. Last evaluated: 2025-09-28. Review status: criteria provided, single submitter. Criteria: Invitae Variant Classification Sherloc (09022015). Collection method: clinical testing. Allele origin: germline.
Comment: This sequence change affects the initiator codon of the ACAD9 mRNA. This change may impact translation initiation or efficiency. The next in-frame methionine is located at codon 124. This variant is present in population databases (rs773949927, gnomAD 0.003%). Disruption of the initiator codon has been observed in individual(s) with mitochondrial complex I deficiency (PMID: 26669660, 30025539). In at least one individual the data is consistent with being in trans (on the opposite chromosome) from a pathogenic variant. ClinVar contains an entry for this variant (Variation ID: 1439431). This variant disrupts a region of the ACAD9 protein in which other variant(s) (p.Phe44Ile) have been observed in individuals with ACAD9-related conditions (PMID: 21057504). This suggests that this is a clinically significant region of the protein, and that variants that disrupt it are likely to be disease-causing. For these reasons, this variant has been classified as Pathogenic.

Natera, Inc.
Classification: Likely pathogenic for ACAD9 deficiency. Last evaluated: 2025-08-19. Review status: criteria provided, single submitter. Criteria: Natera Variant Classification Schema (03/2026). Collection method: clinical testing. Allele origin: germline.
Comment: The c.1A>T variant in ACAD9 is predicted to result in start loss due to disruption of the initiator methionine. This variant is expected to result in nonsense mediated decay, truncation, or a dysfunctional protein product. This variant is rare in the general population with a frequency below the threshold expected for the associated phenotype(s). Given the available evidence, this variant is classified as Likely Pathogenic.

Fulgent Genetics
Classification: Pathogenic for Acyl-CoA dehydrogenase 9 deficiency. Last evaluated: 2024-01-19. Review status: criteria provided, single submitter. Criteria: ACMG Guidelines, 2015. Collection method: clinical testing. Allele origin: germline.

Literature cited by the submitters: PubMed 26669660 (cited by Labcorp Genetics (formerly Invitae), Labcorp); PubMed 30025539 (cited by Labcorp Genetics (formerly Invitae), Labcorp); PubMed 21057504 (cited by Labcorp Genetics (formerly Invitae), Labcorp).

NM_014049.5(ACAD9):c.1A>T (p.Met1Leu)

Gene: ACAD9 (acyl-CoA dehydrogenase family member 9; plus strand). Cytogenetic location: 3q21.3.
Variant type: single nucleotide variant.
Coding change: c.1A>T on transcript NM_014049.5 (MANE Select); coding-DNA position 1, A replaced by T.
Protein change: p.Met1Leu; changes the start codon (methionine 1).
Molecular consequence: missense variant, initiator codon variant. On other transcripts: non-coding transcript variant (1).
Genome position (GRCh38, 1-based): chr3:128,879,692, A>T. VCF-style: chr3-128879692-A-T. GRCh37 (hg19) VCF-style: chr3-128598535-A-T.
Other names: c.1A>T (NM_014049.4); short protein forms M1L.
Identifiers: ClinVar variation 1439431 (VCV001439431.9), dbSNP rs773949927, ClinGen allele CA2600992.
Genomic context (GRCh38, chr3:128,879,692, plus strand): 5'-TGTGTCCCTGCGGCGCTAAGAAGGGGAGACTGAGGCTGAGGCTGGGGAACATCGGGCAGC[A>T]TGAGCGGCTGCGGGCTCTTCCTGCGCACCACGGCTGCGGCTCGTGCCTGCCGGGGTCTGG-3'
Protein context (NP_054768.2, residues 1-11): [Met1Leu]SGCGLFLRTT